The following is an entry in ClinVar:

ClinVar aggregate classification (germline): Pathogenic (1 of 4 stars; one submission).

Conditions:
Congenital hyperammonemia, type I. Also called: CPS I DEFICIENCY; Carbamoyl phosphate synthetase 1 deficiency; Hyperammonemia due to carbamoyl phosphate synthetase 1 deficiency; CPS 1 deficiency; Carbamyl phosphate synthetase (CPS) deficiency; Carbamoyl phosphate synthetase I deficiency disease. Identifiers: Orphanet 147, MedGen C4082171, MONDO:0009376, OMIM 237300.

Submission:

Myriad Genetics, Inc.
Classification: Pathogenic for Congenital hyperammonemia, type I. Last evaluated: 2023-12-08. Review status: criteria provided, single submitter. Criteria: Myriad Autosomal Dominant, Autosomal Recessive and X-Linked Classification Criteria (2023). Collection method: clinical testing. Allele origin: unknown.
Comment: NM_001875.4(CPS1):c.3360_3373del14ins1(S1121Pfs*4) is expected to be pathogenic in the context of carbamoylphosphate synthetase I deficiency. This variant is predicted to lead to an abnormal or absent protein product due to the creation of a premature termination codon in CPS1, a gene where loss-of-function variants are known to be pathogenic. Please note: this variant was assessed in the context of healthy population screening.

NM_001875.5(CPS1):c.3360_3373delinsA (p.Ser1121fs)

Gene: CPS1 (carbamoyl-phosphate synthase 1; plus strand). Cytogenetic location: 2q34.
Variant type: Indel.
Coding change: c.3360_3373delinsA on transcript NM_001875.5 (MANE Select); coding-DNA positions 3360 to 3373, GTCTGTGGACTACC replaced by A.
Protein change: p.Ser1121fs; shifts the reading frame from serine 1121.
Molecular consequence: frameshift variant. On other transcripts: non-coding transcript variant (2).
Genome position (GRCh38, 1-based): chr2:210,648,496-210,648,509, GTCTGTGGACTACC replaced by A. VCF-style: chr2-210648496-GTCTGTGGACTACC-A. GRCh37 (hg19) VCF-style: chr2-211513220-GTCTGTGGACTACC-A.
Other names: c.3360_3373delinsA, p.Ser1121fs (NM_001122633.3, NM_001369257.1); c.3393_3406delinsA, p.Ser1132fs (NM_001369256.1); short protein forms S1121fs, S1132fs.
Identifiers: ClinVar variation 5012547 (VCV005012547.1).